The following is an entry in ClinVar:

NM_006648.4(WNK2):c.4348G>T (p.Val1450Leu)

Gene: WNK2 (WNK lysine deficient protein kinase 2; plus strand). Cytogenetic location: 9q22.31.
Variant type: single nucleotide variant.
Coding change: c.4348G>T on transcript NM_006648.4 (MANE Select); coding-DNA position 4348, G replaced by T.
Protein change: p.Val1450Leu; replaces valine 1450 with leucine.
Molecular consequence: missense variant.
Genome position (GRCh38, 1-based): chr9:93,289,102, G>T. VCF-style: chr9-93289102-G-T. GRCh37 (hg19) VCF-style: chr9-96051384-G-T.
Other names: c.4459G>T, p.Val1487Leu (NM_001282394.3); short protein forms V1487L, V1450L.
Identifiers: ClinVar variation 3981652 (VCV003981652.1).
Genomic context (GRCh38, chr9:93,289,102, plus strand): 5'-CTCGAGACGTCTCAGCCACTAGCGGAGACTCACGAGGCCCCGCTTGCTGTGCAGCCCCTC[G>T]TGGTGGGCCTAGCACCTTGCACTCCAGCTCCAGAGGCTGCCTCAACCAGGGACGCCAGTG-3'
Protein context (NP_006639.3, residues 1440-1460): HEAPLAVQPL[Val1450Leu]VGLAPCTPAP

ClinVar aggregate classification (germline): Uncertain significance (1 of 4 stars; one submission).

gnomAD v4.1: 5 of 1,608,440 alleles (0.00031%); highest among the groups gnomAD compares: African/African-American, 0.0013%; no homozygotes.

Submission:

Ambry Genetics
Classification: Uncertain significance. Last evaluated: 2025-03-16. Review status: criteria provided, single submitter. Criteria: Ambry Variant Classification Scheme 2023. Collection method: clinical testing. Allele origin: germline.
Comment: The p.V1450L variant (also known as c.4348G>T), located in coding exon 19 of the WNK2 gene, results from a G to T substitution at nucleotide position 4348. The valine at codon 1450 is replaced by leucine, an amino acid with highly similar properties. This amino acid position is conserved. In addition, this alteration is predicted to be tolerated by in silico analysis. Based on the available evidence, the clinical significance of this variant remains unclear.